The following is an entry in ClinVar:

NM_014003.4(DHX38):c.2309C>T (p.Ala770Val)

Gene: DHX38 (DEAH-box helicase 38; plus strand). Cytogenetic location: 16q22.2.
Variant type: single nucleotide variant.
Coding change: c.2309C>T on transcript NM_014003.4 (MANE Select); coding-DNA position 2309, C replaced by T.
Protein change: p.Ala770Val; replaces alanine 770 with valine.
Molecular consequence: missense variant.
Genome position (GRCh38, 1-based): chr16:72,105,278, C>T. VCF-style: chr16-72105278-C-T. GRCh37 (hg19) VCF-style: chr16-72139177-C-T.
Other names: short protein forms A770V.
Identifiers: ClinVar variation 1465856 (VCV001465856.4), dbSNP rs755907524, ClinGen allele CA8160606.

ClinVar aggregate classification (germline): Uncertain significance. Review status: criteria provided, multiple submitters, no conflicts (2 of 4 stars). 2 submissions from 2 submitters: Uncertain significance (2). Last evaluated 2023-10-01.

Conditions:
Retinal dystrophy. Also called: Inherited retinal dystrophy. Identifiers: Orphanet 71862, MedGen C0854723, MeSH D058499, MONDO:0019118, HP:0000556.

Allele frequency attached by ClinVar (database versions not stated): gnomAD exomes 0.00001; ExAC 0.00002; gnomAD 0.00003; TOPMed 0.00005.
gnomAD v4.1: 12 of 1,614,054 alleles (0.00074%); highest among the groups gnomAD compares: African/African-American, 0.0067%; no homozygotes.

Submissions (2):

Dept Of Ophthalmology, Nagoya University
Classification: Uncertain significance for Retinal dystrophy. Last evaluated: 2023-10-01. Review status: criteria provided, single submitter. Criteria: Submitter's publication. Collection method: research. Allele origin: germline. Affected: yes.

Labcorp Genetics (formerly Invitae), Labcorp
Classification: Uncertain significance. Last evaluated: 2022-06-13. Review status: criteria provided, single submitter. Criteria: Invitae Variant Classification Sherloc (09022015). Collection method: clinical testing. Allele origin: germline.
Comment: This sequence change replaces alanine, which is neutral and non-polar, with valine, which is neutral and non-polar, at codon 770 of the DHX38 protein (p.Ala770Val). This variant is present in population databases (rs755907524, gnomAD 0.007%). This variant has not been reported in the literature in individuals affected with DHX38-related conditions. Algorithms developed to predict the effect of missense changes on protein structure and function are either unavailable or do not agree on the potential impact of this missense change (SIFT: "Deleterious"; PolyPhen-2: "Benign"; Align-GVGD: "Class C55"). Algorithms developed to predict the effect of sequence changes on RNA splicing suggest that this variant may create or strengthen a splice site. In summary, the available evidence is currently insufficient to determine the role of this variant in disease. Therefore, it has been classified as a Variant of Uncertain Significance.